The following is an entry in ClinVar:

ClinVar aggregate classification (germline): Uncertain significance (1 of 4 stars; one submission).

Conditions:
Inborn genetic diseases. Identifiers: MedGen C0950123, MeSH D030342.

gnomAD v4.1: 13 of 1,612,326 alleles (0.00081%); highest among the groups gnomAD compares: Non-Finnish European, 0.001%; no homozygotes.

Submission:

Ambry Genetics
Classification: Uncertain significance for Inborn genetic diseases. Last evaluated: 2025-12-24. Review status: criteria provided, single submitter. Criteria: Ambry Variant Classification Scheme 2023. Collection method: clinical testing. Allele origin: germline.
Comment: The c.2111T>C (p.I704T) alteration is located in exon 20 (coding exon 20) of the KIF2A gene. This alteration results from a T to C substitution at nucleotide position 2111, causing the isoleucine (I) at amino acid position 704 to be replaced by a threonine (T). Based on data from gnomAD, the C allele has an overall frequency of <0.001% (1/250950) total alleles studied. The highest observed frequency was 0.001% (1/113352) of European (non-Finnish) alleles. Based on insufficient or conflicting evidence, the clinical significance of this alteration remains unclear.

NM_001098511.3(KIF2A):c.2111T>C (p.Ile704Thr)

Gene: KIF2A (kinesin family member 2A; plus strand). Cytogenetic location: 5q12.1.
Variant type: single nucleotide variant.
Coding change: c.2111T>C on transcript NM_001098511.3 (MANE Select); coding-DNA position 2111, T replaced by C.
Protein change: p.Ile704Thr; replaces isoleucine 704 with threonine.
Molecular consequence: missense variant.
Genome position (GRCh38, 1-based): chr5:62,381,215, T>C. VCF-style: chr5-62381215-T-C. GRCh37 (hg19) VCF-style: chr5-61677042-T-C.
Other names: c.1916T>C, p.Ile639Thr (NM_001243952.2); c.1940T>C, p.Ile647Thr (NM_001243953.2); c.1997T>C, p.Ile666Thr (NM_004520.5); short protein forms I639T, I647T, I666T, I704T.
Identifiers: ClinVar variation 4830546 (VCV004830546.1).
Genomic context (GRCh38, chr5:62,381,215, plus strand): 5'-TAGAGATGACTGAAGAAGTAGATTATGATGTCGATTCATATGCTACACAACTTGAAGCTA[T>C]TCTTGAGCAAAAAATAGACATTTTAACTGAACTGCGGGGTAATTCTTTTTCCATTTTAAT-3'
Protein context (NP_001091981.1, residues 694-714): VDSYATQLEA[Ile704Thr]LEQKIDILTE